The following is an entry in ClinVar:

NM_004260.4(RECQL4):c.379C>A (p.Pro127Thr)

Gene: RECQL4 (RecQ like helicase 4; minus strand). Cytogenetic location: 8q24.3.
Variant type: single nucleotide variant.
Coding change: c.379C>A on transcript NM_004260.4 (MANE Select); coding-DNA position 379, C replaced by A.
Protein change: p.Pro127Thr; replaces proline 127 with threonine.
Molecular consequence: missense variant. On other transcripts: 5 prime UTR variant (13), non-coding transcript variant (3), intron variant (5).
Genome position (GRCh38, 1-based): chr8:144,516,740, G>T on the plus strand (C>A on the coding strand, the complement: RECQL4 is on the minus strand). VCF-style: chr8-144516740-G-T. GRCh37 (hg19) VCF-style: chr8-145742124-G-T.
Other names: c.379C>A, p.Pro127Thr (NM_001413017.1, NM_001413018.1, NM_001413019.1 and 4 more transcripts); c.-693C>A (NM_001413022.1, NM_001413023.1, NM_001413037.1 and 3 more transcripts); c.250C>A, p.Pro84Thr (NM_001413025.1); c.-755C>A (NM_001413027.1, NM_001413030.1, NM_001413031.1 and 1 more transcripts); c.-418C>A (NM_001413028.1); c.-597C>A (NM_001413034.1); c.-962C>A (NM_001413043.1); c.354+310C>A (NM_001413029.1); and 3 more; short protein forms P127T, P84T.
Identifiers: ClinVar variation 3431863 (VCV003431863.1).
Genomic context (GRCh38, chr8:144,516,740, plus strand): 5'-GCCCTGTACCTGGGGGCTTTGGGGTGGATGCCTTAGATGAGGCTCTTCCTAGAGGCCACG[G>T]TCTGCGGCCCAGGGCTGGTCCGGCCTGGGAGGGGAACAACAGAACAGCAGGAGGAACTCA-3'
Protein context (NP_004251.4, residues 117-137): LQAGPALGRR[Pro127Thr]WPLGRASSKA

ClinVar aggregate classification (germline): Uncertain significance (1 of 4 stars; one submission).

Conditions:
Inborn genetic diseases. Identifiers: MedGen C0950123, MeSH D030342.

gnomAD v4.1: 6 of 1,530,082 alleles (0.00039%); highest among the groups gnomAD compares: East Asian, 0.009%; no homozygotes.

Submission:

Ambry Genetics
Classification: Uncertain significance for Inborn genetic diseases. Last evaluated: 2024-11-23. Review status: criteria provided, single submitter. Criteria: Ambry Variant Classification Scheme 2023. Collection method: clinical testing. Allele origin: germline.
Comment: The p.P127T variant (also known as c.379C>A), located in coding exon 5 of the RECQL4 gene, results from a C to A substitution at nucleotide position 379. The proline at codon 127 is replaced by threonine, an amino acid with highly similar properties. This amino acid position is conserved. In addition, this alteration is predicted to be tolerated by in silico analysis. Based on the available evidence, the clinical significance of this variant remains unclear.